The following is an entry in ClinVar:

ClinVar aggregate classification (germline): Uncertain significance (1 of 4 stars; one submission).

Conditions:
Long QT syndrome (LQTS). Identifiers: MedGen C0023976, MeSH D008133, MONDO:0002442. Disease mechanism: loss of function. Inheritance: Various modes of inheritance.

Allele frequency attached by ClinVar (database versions not stated): TOPMed below 0.00001.

Submission:

Labcorp Genetics (formerly Invitae), Labcorp
Classification: Uncertain significance for Long QT syndrome. Last evaluated: 2025-03-23. Review status: criteria provided, single submitter. Criteria: Invitae Variant Classification Sherloc (09022015). Collection method: clinical testing. Allele origin: germline.
Comment: This sequence change replaces glutamine, which is neutral and polar, with histidine, which is basic and polar, at codon 1209 of the CACNA1C protein (p.Gln1209His). This variant is not present in population databases (gnomAD no frequency). This variant has not been reported in the literature in individuals affected with CACNA1C-related conditions. ClinVar contains an entry for this variant (Variation ID: 2995048). Invitae Evidence Modeling of protein sequence and biophysical properties (such as structural, functional, and spatial information, amino acid conservation, physicochemical variation, residue mobility, and thermodynamic stability) indicates that this missense variant is expected to disrupt CACNA1C protein function with a positive predictive value of 95%. In summary, the available evidence is currently insufficient to determine the role of this variant in disease. Therefore, it has been classified as a Variant of Uncertain Significance.

NM_000719.7(CACNA1C):c.3627G>T (p.Gln1209His)

Gene: CACNA1C (calcium voltage-gated channel subunit alpha1 C; plus strand). Cytogenetic location: 12p13.33.
Variant type: single nucleotide variant.
Coding change: c.3627G>T on transcript NM_000719.7 (MANE Select); coding-DNA position 3627, G replaced by T.
Protein change: p.Gln1209His; replaces glutamine 1209 with histidine.
Molecular consequence: missense variant.
Genome position (GRCh38, 1-based): chr12:2,610,609, G>T. VCF-style: chr12-2610609-G-T. GRCh37 (hg19) VCF-style: chr12-2719775-G-T.
Other names: c.3687G>T, p.Gln1229His (NM_001129827.2, NM_001129832.2, NM_199460.4); c.3627G>T, p.Gln1209His (NM_001129829.2, NM_001129830.3, NM_001129831.2 and 15 more transcripts); c.3618G>T, p.Gln1206His (NM_001129844.2); short protein forms Q1206H, Q1209H, Q1229H.
Identifiers: ClinVar variation 2995048 (VCV002995048.3), dbSNP rs2077216014, ClinGen allele CA383376671.
Genomic context (GRCh38, chr12:2,610,609, plus strand): 5'-CGTGGAATACGCCCTCAAGGCCCGGCCCCTGCGGAGGTACATCCCCAAGAACCAGCACCA[G>T]TACAAAGTGTGGTACGTGGTCAACTCCACCTACTTCGAGTACCTGATGTTCGTCCTCATC-3'
Protein context (NP_000710.5, residues 1199-1219): LRRYIPKNQH[Gln1209His]YKVWYVVNST